The following is an entry in ClinVar:

ClinVar aggregate classification (germline): Uncertain significance (1 of 4 stars; one submission).

Submission:

CeGaT Center for Human Genetics Tuebingen
Classification: Uncertain significance. Last evaluated: 2024-10-01. Review status: criteria provided, single submitter. Criteria: CeGaT Center For Human Genetics Tuebingen Variant Classification Criteria Version 2. Collection method: clinical testing. Allele origin: germline. Affected: yes. Observed: 1 variant allele.
Comment: HGSNAT: PM2, BP4

NM_152419.3(HGSNAT):c.890T>A (p.Met297Lys)

Gene: HGSNAT (heparan-alpha-glucosaminide N-acetyltransferase; plus strand). Cytogenetic location: 8p11.21.
Variant type: single nucleotide variant.
Coding change: c.890T>A on transcript NM_152419.3 (MANE Select); coding-DNA position 890, T replaced by A.
Protein change: p.Met297Lys; replaces methionine 297 with lysine.
Molecular consequence: missense variant. On other transcripts: intron variant (1).
Genome position (GRCh38, 1-based): chr8:43,178,112, T>A. VCF-style: chr8-43178112-T-A. GRCh37 (hg19) VCF-style: chr8-43033255-T-A.
Other names: c.890T>A, p.Met297Lys (NM_001363227.2); c.26T>A, p.Met9Lys (NM_001363229.2); c.821-4033T>A (NM_001363228.2); short protein forms M297K, M9K.
Identifiers: ClinVar variation 3389871 (VCV003389871.14).